The following is an entry in ClinVar:

NM_016335.6(PRODH):c.803C>A (p.Ala268Glu)

Gene: PRODH (proline dehydrogenase 1; minus strand). Cytogenetic location: 22q11.21.
Variant type: single nucleotide variant.
Coding change: c.803C>A on transcript NM_016335.6 (MANE Select); coding-DNA position 803, C replaced by A.
Protein change: p.Ala268Glu; replaces alanine 268 with glutamic acid.
Molecular consequence: missense variant.
Genome position (GRCh38, 1-based): chr22:18,922,863, G>T on the plus strand (C>A on the coding strand, the complement: PRODH is on the minus strand). VCF-style: chr22-18922863-G-T. GRCh37 (hg19) VCF-style: chr22-18910376-G-T.
Other names: c.479C>A, p.Ala160Glu (NM_001195226.2, NM_001368250.2); short protein forms A268E, A160E.
Identifiers: ClinVar variation 4720055 (VCV004720055.1).

ClinVar aggregate classification (germline): Uncertain significance (1 of 4 stars; one submission).

Conditions:
Proline dehydrogenase deficiency (HYRPRO1). Also called: PROLINE OXIDASE DEFICIENCY; Hyperprolinemia type 1. Identifiers: Orphanet 419, MedGen C0268529, MONDO:0009400, OMIM 239500.

Submission:

Labcorp Genetics (formerly Invitae), Labcorp
Classification: Uncertain significance for Proline dehydrogenase deficiency. Last evaluated: 2025-12-08. Review status: criteria provided, single submitter. Criteria: Invitae Variant Classification Sherloc (09022015). Collection method: clinical testing. Allele origin: germline.
Comment: This sequence change replaces alanine, which is neutral and non-polar, with glutamic acid, which is acidic and polar, at codon 268 of the PRODH protein (p.Ala268Glu). This variant is present in population databases (rs375358521, gnomAD 0.002%). This variant has not been reported in the literature in individuals affected with PRODH-related conditions. An algorithm developed to predict the effect of missense changes on protein structure and function (PolyPhen-2) suggests that this variant is likely to be tolerated. In summary, the available evidence is currently insufficient to determine the role of this variant in disease. Therefore, it has been classified as a Variant of Uncertain Significance.